The following is an entry in ClinVar:

ClinVar aggregate classification (germline): Uncertain significance (1 of 4 stars; one submission).

Conditions:
Hereditary sensory and autonomic neuropathy type 6. Also called: Neuropathy, hereditary sensory and autonomic, type VI; HSAN VI. Identifiers: Orphanet 314381, MedGen C3539003, MONDO:0013839, OMIM 614653.
Epidermolysis bullosa simplex 3, localized or generalized intermediate, with BP230 deficiency (EBS3). Also called: Epidermolysis bullosa simplex due to BP230 deficiency; Epidermolysis bullosa simplex, autosomal recessive 2. Identifiers: Orphanet 412181, MedGen C3809470, MONDO:0014180, OMIM 615425.

Allele frequency attached by ClinVar (database versions not stated): gnomAD exomes below 0.00001; gnomAD 0.00003.
gnomAD v4.1: 3 of 1,614,140 alleles (0.00019%); highest among the groups gnomAD compares: Admixed American, 0.005%; no homozygotes.

Submission:

Labcorp Genetics (formerly Invitae), Labcorp
Classification: Uncertain significance for Epidermolysis bullosa simplex 3, localized or generalized intermediate, with BP230 deficiency; Hereditary sensory and autonomic neuropathy type 6. Last evaluated: 2020-02-07. Review status: criteria provided, single submitter. Criteria: Invitae Variant Classification Sherloc (09022015). Collection method: clinical testing. Allele origin: germline.
Comment: In summary, the available evidence is currently insufficient to determine the role of this variant in disease. Therefore, it has been classified as a Variant of Uncertain Significance. Algorithms developed to predict the effect of missense changes on protein structure and function (SIFT, PolyPhen-2, Align-GVGD) all suggest that this variant is likely to be tolerated, but these predictions have not been confirmed by published functional studies and their clinical significance is uncertain. This variant has not been reported in the literature in individuals with DST-related disease. This variant is not present in population databases (ExAC no frequency). This sequence change replaces isoleucine with threonine at codon 1985 of the DST protein (p.Ile1985Thr). The isoleucine residue is weakly conserved and there is a moderate physicochemical difference between isoleucine and threonine.

NM_001723.7(DST):c.5954T>C (p.Ile1985Thr)

Gene: DST (dystonin; minus strand). Cytogenetic location: 6p12.1.
Variant type: single nucleotide variant.
Coding change: c.5954T>C on transcript NM_001723.7 (MANE Plus Clinical); coding-DNA position 5954, T replaced by C.
Protein change: p.Ile1985Thr; replaces isoleucine 1985 with threonine.
Molecular consequence: missense variant. On other transcripts: intron variant (10).
Genome position (GRCh38, 1-based): chr6:56,618,080, A>G on the plus strand (T>C on the coding strand, the complement: DST is on the minus strand). VCF-style: chr6-56618080-A-G. GRCh37 (hg19) VCF-style: chr6-56482878-A-G.
Other names: c.4831-3596T>C (NM_001144769.5); c.4930-3596T>C (NM_001374722.1, NM_001374736.1); c.4957-3596T>C (NM_001374734.1); c.4417-3596T>C (NM_001144770.2); c.4297-3596T>C (NM_001374730.1, NM_001386100.1, NM_183380.4 and 1 more transcripts); c.3319-3596T>C (NM_015548.5); short protein forms I1985T.
Identifiers: ClinVar variation 653152 (VCV000653152.9), dbSNP rs1563223534, ClinGen allele CA364566211.